The following is an entry in ClinVar:

ClinVar aggregate classification (germline): Conflicting classifications of pathogenicity. Review status: criteria provided, conflicting classifications (1 of 4 stars). 2 submissions from 2 submitters: Uncertain significance (1); Likely benign (1). Last evaluated 2024-10-22.

Conditions:
Inborn genetic diseases. Identifiers: MedGen C0950123, MeSH D030342.

gnomAD v4.1: 11 of 1,613,618 alleles (0.00068%); highest among the groups gnomAD compares: African/African-American, 0.0013%; no homozygotes.

Submissions (2):

Labcorp Genetics (formerly Invitae), Labcorp
Classification: Uncertain significance. Last evaluated: 2024-10-22. Review status: criteria provided, single submitter. Criteria: Invitae Variant Classification Sherloc (09022015). Collection method: clinical testing. Allele origin: germline.
Comment: This sequence change replaces arginine, which is basic and polar, with glutamine, which is neutral and polar, at codon 446 of the SETD5 protein (p.Arg446Gln). This variant is present in population databases (rs776804696, gnomAD 0.004%). This variant has not been reported in the literature in individuals affected with SETD5-related conditions. Invitae Evidence Modeling of protein sequence and biophysical properties (such as structural, functional, and spatial information, amino acid conservation, physicochemical variation, residue mobility, and thermodynamic stability) indicates that this missense variant is expected to disrupt SETD5 protein function with a positive predictive value of 80%. In summary, the available evidence is currently insufficient to determine the role of this variant in disease. Therefore, it has been classified as a Variant of Uncertain Significance.

Ambry Genetics
Classification: Likely benign for Inborn genetic diseases. Last evaluated: 2024-07-30. Review status: criteria provided, single submitter. Criteria: Ambry Variant Classification Scheme 2023. Collection method: clinical testing. Allele origin: germline.

NM_001080517.3(SETD5):c.1337G>A (p.Arg446Gln)

Gene: SETD5 (SET domain containing 5; plus strand). Cytogenetic location: 3p25.3.
Variant type: single nucleotide variant.
Coding change: c.1337G>A on transcript NM_001080517.3 (MANE Select); coding-DNA position 1337, G replaced by A.
Protein change: p.Arg446Gln; replaces arginine 446 with glutamine.
Molecular consequence: missense variant.
Genome position (GRCh38, 1-based): chr3:9,445,197, G>A. VCF-style: chr3-9445197-G-A. GRCh37 (hg19) VCF-style: chr3-9486881-G-A.
Other names: c.1043G>A, p.Arg348Gln (NM_001292043.2, NM_001349451.2); short protein forms R348Q, R446Q.
Identifiers: ClinVar variation 3440224 (VCV003440224.3).